The following is an entry in ClinVar:

NC_000013.11:g.76992041G>A

Gene: CLN5 (CLN5 lysosomal BMP synthase; plus strand). Cytogenetic location: 13q22.3.
Variant type: single nucleotide variant.
Genome position: GRCh38 VCF-style: chr13-76992041-G-A. GRCh37 (hg19) VCF-style: chr13-77566176-G-A.
Identifiers: ClinVar variation 1363764 (VCV001363764.8), dbSNP rs2154034210, ClinGen allele CA388305941.

ClinVar aggregate classification (germline): Uncertain significance (1 of 4 stars; one submission).

Conditions:
Neuronal ceroid lipofuscinosis. Also called: Neuronal Ceroid Lipofuscinoses. Identifiers: Orphanet 216, Orphanet 79263, MedGen C0027877, MONDO:0016295. Disease mechanism: loss of function.

Submission:

Labcorp Genetics (formerly Invitae), Labcorp
Classification: Uncertain significance for Neuronal ceroid lipofuscinosis. Last evaluated: 2022-09-01. Review status: criteria provided, single submitter. Criteria: Invitae Variant Classification Sherloc (09022015). Collection method: clinical testing. Allele origin: germline.
Comment: In summary, the available evidence is currently insufficient to determine the role of this variant in disease. Therefore, it has been classified as a Variant of Uncertain Significance. Algorithms developed to predict the effect of missense changes on protein structure and function are either unavailable or do not agree on the potential impact of this missense change (SIFT: "Deleterious"; PolyPhen-2: "Benign"; Align-GVGD: "Class C0"). ClinVar contains an entry for this variant (Variation ID: 1363764). This variant has not been reported in the literature in individuals affected with CLN5-related conditions. This variant is not present in population databases (gnomAD no frequency). This sequence change replaces methionine, which is neutral and non-polar, with isoleucine, which is neutral and non-polar, at codon 30 of the CLN5 protein (p.Met30Ile).